The following is an entry in ClinVar:

ClinVar aggregate classification (germline): Likely pathogenic (1 of 4 stars; one submission).

Conditions:
Dilated cardiomyopathy 1G (CMD1G). Identifiers: Orphanet 154, MedGen C1858763, MONDO:0011400, OMIM 604145.
Autosomal recessive limb-girdle muscular dystrophy type 2J (LGMDR10). Also called: Limb-girdle muscular dystrophy, type 2J; MUSCULAR DYSTROPHY, LIMB-GIRDLE, AUTOSOMAL RECESSIVE 10. Identifiers: Orphanet 140922, MedGen C1837342, MONDO:0012127, OMIM 608807.

Submission:

Labcorp Genetics (formerly Invitae), Labcorp
Classification: Likely pathogenic for Dilated cardiomyopathy 1G; Autosomal recessive limb-girdle muscular dystrophy type 2J. Last evaluated: 2023-06-21. Review status: criteria provided, single submitter. Criteria: Invitae Variant Classification Sherloc (09022015). Collection method: clinical testing. Allele origin: germline.
Comment: In summary, the currently available evidence indicates that the variant is pathogenic, but additional data are needed to prove that conclusively. Therefore, this variant has been classified as Likely Pathogenic. This variant is located in the A band of TTN (PMID: 25589632). Truncating variants in this region are significantly overrepresented in patients affected with dilated cardiomyopathy (PMID: 25589632). Truncating variants in this region have also been reported in individuals affected with autosomal recessive centronuclear myopathy (PMID: 23975875). This variant has not been reported in the literature in individuals affected with TTN-related conditions. This variant is not present in population databases (gnomAD no frequency). This sequence change creates a premature translational stop signal (p.Pro31017Glnfs*12) in the TTN gene. While this is not anticipated to result in nonsense mediated decay, it is expected to create a truncated TTN protein.

Literature cited by the submitters: PubMed 25589632; PubMed 23975875.

NM_001267550.2(TTN):c.93050del (p.Pro31017fs)

Genes: TTN-AS1 (TTN antisense RNA 1; plus strand), TTN (titin; minus strand). Cytogenetic location: 2q31.2.
Variant type: Deletion.
Coding change: c.93050del on transcript NM_001267550.2 (MANE Select); coding-DNA position 93050, one base deleted (C; older notation c.93050delC).
Protein change: p.Pro31017fs; shifts the reading frame from proline 31017.
Molecular consequence: frameshift variant.
Genome position (GRCh38, 1-based): chr2:178,548,576, G deleted on the plus strand (C on the coding strand, the reverse complement: TTN is on the minus strand); the first of 2 consecutive G bases (chr2:178,548,576-178,548,577); deleting either gives the same sequence. VCF-style (leftmost placement, unchanged base first): chr2-178548575-TG-T. GRCh37 (hg19) VCF-style: chr2-179413302-TG-T.
Other names: c.88127del, p.Pro29376fs (NM_001256850.1); c.65855del, p.Pro21952fs (NM_003319.4); c.85346del, p.Pro28449fs (NM_133378.4); c.66230del, p.Pro22077fs (NM_133432.3); c.66431del, p.Pro22144fs (NM_133437.4); short protein forms P28449fs, P31017fs, P21952fs, P22144fs, P22077fs, P29376fs.
Identifiers: ClinVar variation 2949082 (VCV002949082.3), dbSNP rs2469134030, ClinGen allele CA2740095983.